The following is an entry in ClinVar:

NM_007194.4(CHEK2):c.461A>T (p.Asn154Ile)

Gene: CHEK2 (checkpoint kinase 2; minus strand). Cytogenetic location: 22q12.1.
Variant type: single nucleotide variant.
Coding change: c.461A>T on transcript NM_007194.4 (MANE Select); coding-DNA position 461, A replaced by T.
Protein change: p.Asn154Ile; replaces asparagine 154 with isoleucine.
Molecular consequence: missense variant. On other transcripts: 5 prime UTR variant (2), intron variant (1).
Genome position (GRCh38, 1-based): chr22:28,725,108, T>A on the plus strand (A>T on the coding strand, the complement: CHEK2 is on the minus strand). VCF-style: chr22-28725108-T-A. GRCh37 (hg19) VCF-style: chr22-29121096-T-A.
Other names: c.590A>T, p.Asn197Ile (NM_001005735.3, NM_001438294.1); c.-317A>T (NM_001257387.3); c.-203A>T (NM_001437942.1); c.554A>T, p.Asn185Ile (NM_001438293.1, NM_001438295.1); c.461A>T, p.Asn154Ile (NM_145862.3); c.444+135A>T (NM_001349956.3); short protein forms N197I, N154I, N185I.
Identifiers: ClinVar variation 1367354 (VCV001367354.10), dbSNP rs2146061665, ClinGen allele CA411107693.

ClinVar aggregate classification (germline): Uncertain significance. Review status: criteria provided, multiple submitters, no conflicts (2 of 4 stars). 2 submissions from 2 submitters: Uncertain significance (2). Last evaluated 2025-09-14.

Conditions:
Hereditary cancer-predisposing syndrome. Also called: Neoplastic Syndromes, Hereditary; Tumor predisposition; Hereditary neoplastic syndrome; Hereditary Cancer Syndrome. Identifiers: Orphanet 140162, MedGen C0027672, MeSH D009386, MONDO:0015356.
Familial cancer of breast. Also called: BREAST CANCER, FAMILIAL; Hereditary breast cancer; hereditary breast carcinoma. Identifiers: Orphanet 227535, MedGen C0346153, MONDO:0016419, OMIM 114480. Disease mechanism: loss of function.

Allele frequency attached by ClinVar (database versions not stated): gnomAD exomes below 0.00001.
gnomAD v4.1: 1 of 1,614,002 alleles (0.000062%); highest among the groups gnomAD compares: Non-Finnish European, 0.000085%; no homozygotes.

Submissions (2):

Labcorp Genetics (formerly Invitae), Labcorp
Classification: Uncertain significance for Familial cancer of breast. Last evaluated: 2025-09-14. Review status: criteria provided, single submitter. Criteria: Invitae Variant Classification Sherloc (09022015). Collection method: clinical testing. Allele origin: germline.
Comment: This sequence change replaces asparagine, which is neutral and polar, with isoleucine, which is neutral and non-polar, at codon 154 of the CHEK2 protein (p.Asn154Ile). This variant is not present in population databases (gnomAD no frequency). This variant has not been reported in the literature in individuals affected with CHEK2-related conditions. ClinVar contains an entry for this variant (Variation ID: 1367354). An algorithm developed to predict the effect of missense changes on protein structure and function (PolyPhen-2) suggests that this variant is likely to be disruptive. In summary, the available evidence is currently insufficient to determine the role of this variant in disease. Therefore, it has been classified as a Variant of Uncertain Significance.

Ambry Genetics
Classification: Uncertain significance for Hereditary cancer-predisposing syndrome. Last evaluated: 2023-01-14. Review status: criteria provided, single submitter. Criteria: Ambry Variant Classification Scheme 2023. Collection method: clinical testing. Allele origin: germline.
Comment: The p.N154I variant (also known as c.461A>T), located in coding exon 3 of the CHEK2 gene, results from an A to T substitution at nucleotide position 461. The asparagine at codon 154 is replaced by isoleucine, an amino acid with dissimilar properties. This amino acid position is conserved. In addition, the in silico prediction for this alteration is inconclusive. Since supporting evidence is limited at this time, the clinical significance of this alteration remains unclear.